The following is an entry in ClinVar:

NM_001354930.2(RIPK1):c.41C>T (p.Ser14Phe)

Gene: RIPK1 (receptor interacting serine/threonine kinase 1; plus strand). Cytogenetic location: 6p25.2.
Variant type: single nucleotide variant.
Coding change: c.41C>T on transcript NM_001354930.2 (MANE Select); coding-DNA position 41, C replaced by T.
Protein change: p.Ser14Phe; replaces serine 14 with phenylalanine.
Molecular consequence: missense variant. On other transcripts: 5 prime UTR variant (4).
Genome position (GRCh38, 1-based): chr6:3,076,864, C>T. VCF-style: chr6-3076864-C-T. GRCh37 (hg19) VCF-style: chr6-3077098-C-T.
Other names: c.-563C>T (NM_001317061.3, NM_001354932.2, NM_001354933.2 and 1 more transcripts); c.41C>T, p.Ser14Phe (NM_001354931.2, NM_003804.6); short protein forms S14F.
Identifiers: ClinVar variation 2006477 (VCV002006477.4), dbSNP rs1759089299, ClinGen allele CA362572240.

ClinVar aggregate classification (germline): Uncertain significance (1 of 4 stars; one submission).

Allele frequency attached by ClinVar (database versions not stated): TOPMed below 0.00001.

Submission:

Labcorp Genetics (formerly Invitae), Labcorp
Classification: Uncertain significance. Last evaluated: 2022-06-14. Review status: criteria provided, single submitter. Criteria: Invitae Variant Classification Sherloc (09022015). Collection method: clinical testing. Allele origin: germline.
Comment: In summary, the available evidence is currently insufficient to determine the role of this variant in disease. Therefore, it has been classified as a Variant of Uncertain Significance. Algorithms developed to predict the effect of missense changes on protein structure and function are either unavailable or do not agree on the potential impact of this missense change (SIFT: "Not Available"; PolyPhen-2: "Possibly Damaging"; Align-GVGD: "Not Available"). This variant has not been reported in the literature in individuals affected with RIPK1-related conditions. This variant is not present in population databases (gnomAD no frequency). This sequence change replaces serine, which is neutral and polar, with phenylalanine, which is neutral and non-polar, at codon 14 of the RIPK1 protein (p.Ser14Phe).